The following is an entry in ClinVar:

NM_002778.4(PSAP):c.697C>G (p.Leu233Val)

Gene: PSAP (prosaposin; minus strand). Cytogenetic location: 10q22.1.
Variant type: single nucleotide variant.
Coding change: c.697C>G on transcript NM_002778.4 (MANE Select); coding-DNA position 697, C replaced by G.
Protein change: p.Leu233Val; replaces leucine 233 with valine.
Molecular consequence: missense variant.
Genome position (GRCh38, 1-based): chr10:71,828,037, G>C on the plus strand (C>G on the coding strand, the complement: PSAP is on the minus strand). VCF-style: chr10-71828037-G-C. GRCh37 (hg19) VCF-style: chr10-73587794-G-C.
Other names: c.697C>G (NM_002778.2, NM_002778.3); c.697C>G, p.Leu233Val (NM_001042465.3, NM_001042466.3); short protein forms L233V.
Identifiers: ClinVar variation 2156831 (VCV002156831.6), dbSNP rs146934980, ClinGen allele CA5547694.

ClinVar aggregate classification (germline): Uncertain significance. Review status: criteria provided, multiple submitters, no conflicts (2 of 4 stars). 3 submissions from 3 submitters: Uncertain significance (3). Last evaluated 2025-04-12.

Conditions:
Sphingolipid activator protein 1 deficiency. Also called: Saposin B Deficiency; METACHROMATIC LEUKODYSTROPHY DUE TO CEREBROSIDE SULFATASE ACTIVATOR DEFICIENCY; Metachromatic leukodystrophy due to saposin B deficiency. Identifiers: Orphanet 512, MedGen C0268262, MONDO:0009590, OMIM 249900.
PSAP-related disorder. Also called: PSAP-related condition.
Inborn genetic diseases. Identifiers: MedGen C0950123, MeSH D030342.

Allele frequency attached by ClinVar (database versions not stated): TOPMed 0.00006; ESP Exome Variant Server 0.00008.

Submissions (3):

Ambry Genetics
Classification: Uncertain significance for Inborn genetic diseases. Last evaluated: 2025-04-12. Review status: criteria provided, single submitter. Criteria: Ambry Variant Classification Scheme 2023. Collection method: clinical testing. Allele origin: germline.

PreventionGenetics, part of Exact Sciences
Classification: Uncertain significance for PSAP-related condition. Last evaluated: 2025-02-20. Review status: criteria provided, single submitter. Criteria: ACMG Guidelines, 2015. Collection method: clinical testing. Allele origin: germline.
Comment: The PSAP c.697C>G variant is predicted to result in the amino acid substitution p.Leu233Val. To our knowledge, this variant has not been reported in the literature. This variant is reported in 0.0029% of alleles in individuals of Latino descent in gnomAD. At this time, the clinical significance of this variant is uncertain due to the absence of conclusive functional and genetic evidence.

Labcorp Genetics (formerly Invitae), Labcorp
Classification: Uncertain significance for Sphingolipid activator protein 1 deficiency. Last evaluated: 2022-08-16. Review status: criteria provided, single submitter. Criteria: Invitae Variant Classification Sherloc (09022015). Collection method: clinical testing. Allele origin: germline.
Comment: This sequence change replaces leucine, which is neutral and non-polar, with valine, which is neutral and non-polar, at codon 233 of the PSAP protein (p.Leu233Val). This variant is present in population databases (rs146934980, gnomAD 0.003%). This variant has not been reported in the literature in individuals affected with PSAP-related conditions. Algorithms developed to predict the effect of missense changes on protein structure and function are either unavailable or do not agree on the potential impact of this missense change (SIFT: "Not Available"; PolyPhen-2: "Probably Damaging"; Align-GVGD: "Not Available"). In summary, the available evidence is currently insufficient to determine the role of this variant in disease. Therefore, it has been classified as a Variant of Uncertain Significance.